The following is an entry in ClinVar:

NC_012920.1(MT-ND1):m.3571C>T

Gene: MT-ND1 (mitochondrially encoded NADH dehydrogenase 1; plus strand).
Variant type: single nucleotide variant.
Genome position: chrM-3571-C-T.
Identifiers: ClinVar variation 692373 (VCV000692373.1), dbSNP rs200453691, ClinGen allele CA337096595.
Genomic context (GRCh38, chrMT:3,571, plus strand): 5'-ACCCTCTACATCACCGCCCCGACCTTAGCTCTCACCATCGCTCTTCTACTATGAACCCCC[C>T]TCCCCATACCCAACCCCCTGGTCAACCTCAACCTAGGCCTCCTATTTATTCTAGCCACCT-3'

ClinVar aggregate classification (germline): Benign (1 of 4 stars; one submission).

Conditions:
Leigh syndrome (NULS). Also called: Leigh's necrotizing encephalopathy; Leigh's disease; Leigh Syndrome (mtDNA deletion); Leigh Disease; Subacute necrotizing encephalopathy; Necrotizing encephalopathy infantile subacute of Leigh. Identifiers: Orphanet 506, MedGen C2931891, MONDO:0009723, OMIM 256000.

Submission:

Wong Mito Lab, Molecular and Human Genetics, Baylor College of Medicine
Classification: Benign for Leigh syndrome. Last evaluated: 2019-10-17. Review status: criteria provided, single submitter. Criteria: Modified ACMG Guidelines (Unpublished). Collection method: clinical testing. Allele origin: germline.
Comment: The NC_012920.1:m.3571C>T (YP_003024026.1:p.Leu89Phe) variant in MTND1 gene is interpretated to be a Benign variant based on the modified ACMG guidelines (unpublished). This variant meets the following evidence codes: BS1, BS4